The following is an entry in ClinVar:

ClinVar aggregate classification (germline): Likely benign. Review status: criteria provided, multiple submitters, no conflicts (2 of 4 stars). 3 submissions from 3 submitters: Likely benign (2). 1 of the submissions does not count toward it. Last evaluated 2024-06-21.

Conditions:
Hereditary cancer-predisposing syndrome. Also called: Neoplastic Syndromes, Hereditary; Tumor predisposition; Hereditary Cancer Syndrome; Hereditary neoplastic syndrome. Identifiers: Orphanet 140162, MedGen C0027672, MeSH D009386, MONDO:0015356.
Cardiovascular phenotype. Identifiers: MedGen CN230736.
LZTR1-related disorder. Also called: LZTR1-related disorders; LZTR1-related condition.

Allele frequency attached by ClinVar (database versions not stated): gnomAD exomes below 0.00001; TOPMed 0.00001.
gnomAD v4.1: 1 of 1,596,710 alleles (0.000063%); highest among the groups gnomAD compares: Non-Finnish European, 0.000085%; no homozygotes.

Submissions (3):

Labcorp Genetics (formerly Invitae), Labcorp
Classification: Likely benign. Last evaluated: 2024-06-21. Review status: criteria provided, single submitter. Criteria: Invitae Variant Classification Sherloc (09022015). Collection method: clinical testing. Allele origin: germline.

Ambry Genetics
Classification: Likely benign for Cardiovascular phenotype; Hereditary cancer-predisposing syndrome. Last evaluated: 2022-03-23. Review status: criteria provided, single submitter. Criteria: Ambry Variant Classification Scheme 2023. Collection method: clinical testing. Allele origin: germline.

PreventionGenetics, part of Exact Sciences
Classification: Likely benign for LZTR1-related condition. Last evaluated: 2024-02-28. Review status: no assertion criteria provided. Collection method: clinical testing. Allele origin: germline. Not counted in ClinVar's aggregate classification.
Comment: This variant is classified as likely benign based on ACMG/AMP sequence variant interpretation guidelines (Richards et al. 2015 PMID: 25741868, with internal and published modifications).

NM_006767.4(LZTR1):c.1161G>A (p.Gly387=)

Gene: LZTR1 (leucine zipper like post translational regulator 1; plus strand). Cytogenetic location: 22q11.21.
Variant type: single nucleotide variant.
Coding change: c.1161G>A on transcript NM_006767.4 (MANE Select); coding-DNA position 1161, G replaced by A.
Protein change: p.Gly387=; no amino-acid change (glycine 387 retained).
Molecular consequence: synonymous variant.
Genome position (GRCh38, 1-based): chr22:20,992,805, G>A. VCF-style: chr22-20992805-G-A. GRCh37 (hg19) VCF-style: chr22-21347094-G-A.
Identifiers: ClinVar variation 1736922 (VCV001736922.7), dbSNP rs1218008965, ClinGen allele CA513456612.
Genomic context (GRCh38, chr22:20,992,805, plus strand): 5'-GTGGAGGCTCTGCTCCCCCACCATTCCACCCTGCCTTCTTGTCCCCCAGCTGCCCAGTGG[G>A]AGGCTCTTCCACGCGGCTGCTGTCATCTCGGACGCCATGTACATCTTCGGGGGCACGGTG-3'
Protein context (NP_006758.2, residues 377-397): PTQPASELPS[Gly387=]RLFHAAAVIS